The following is an entry in ClinVar:

NM_006035.4(CDC42BPB):c.3742A>G (p.Ile1248Val)

Gene: CDC42BPB (CDC42 binding protein kinase beta; minus strand). Cytogenetic location: 14q32.32.
Variant type: single nucleotide variant.
Coding change: c.3742A>G on transcript NM_006035.4 (MANE Select); coding-DNA position 3742, A replaced by G.
Protein change: p.Ile1248Val; replaces isoleucine 1248 with valine.
Molecular consequence: missense variant.
Genome position (GRCh38, 1-based): chr14:102,946,474, T>C on the plus strand (A>G on the coding strand, the complement: CDC42BPB is on the minus strand). VCF-style: chr14-102946474-T-C. GRCh37 (hg19) VCF-style: chr14-103412811-T-C.
Other names: c.3664A>G, p.Ile1222Val (NM_001411054.1); short protein forms I1222V, I1248V.
Identifiers: ClinVar variation 4821769 (VCV004821769.4).

ClinVar aggregate classification (germline): Likely benign (1 of 4 stars; one submission).

gnomAD v4.1: 19 of 1,612,564 alleles (0.0012%); highest among the groups gnomAD compares: Middle Eastern, 0.033%; no homozygotes.

Submission:

CeGaT Center for Human Genetics Tuebingen
Classification: Likely benign. Last evaluated: 2026-01-01. Review status: criteria provided, single submitter. Criteria: CeGaT Center For Human Genetics Tuebingen Variant Classification Criteria Version 2. Collection method: clinical testing. Allele origin: germline. Affected: yes. Observed: 1 variant allele.
Comment: CDC42BPB: BP4